The following is an entry in ClinVar:

ClinVar aggregate classification (germline): Uncertain significance (1 of 4 stars; one submission).

Submission:

Labcorp Genetics (formerly Invitae), Labcorp
Classification: Uncertain significance. Last evaluated: 2021-06-16. Review status: criteria provided, single submitter. Criteria: Invitae Variant Classification Sherloc (09022015). Collection method: clinical testing. Allele origin: germline.
Comment: In summary, the available evidence is currently insufficient to determine the role of this variant in disease. Therefore, it has been classified as a Variant of Uncertain Significance. Nucleotide substitutions within the consensus splice site are a relatively common cause of aberrant splicing (PMID: 17576681, 9536098). Algorithms developed to predict the effect of sequence changes on RNA splicing suggest that this variant may disrupt the consensus splice site, but this prediction has not been confirmed by published transcriptional studies. This variant has not been reported in the literature in individuals with GALNT12-related conditions. This variant is not present in population databases (ExAC no frequency). This sequence change falls in intron 5 of the GALNT12 gene. It does not directly change the encoded amino acid sequence of the GALNT12 protein. It affects a nucleotide within the consensus splice site of the intron.

Literature cited by the submitters: PubMed 17576681; PubMed 9536098.

NM_024642.5(GALNT12):c.1035+4_1035+7del

Gene: GALNT12 (polypeptide N-acetylgalactosaminyltransferase 12; plus strand). Cytogenetic location: 9q22.33.
Variant type: Deletion.
Coding change: c.1035+4_1035+7del on transcript NM_024642.5 (MANE Select); bases 4 to 7 of the intron after coding-DNA position 1035, 4 bases deleted (AGTA; older notation c.1035+4_1035+7delAGTA).
Molecular consequence: splice donor variant.
Genome position (GRCh38, 1-based): chr9:98,835,370-98,835,373, AGTA deleted; deleting any 4 consecutive bases within chr9:98,835,367-98,835,373 gives the same sequence; the c. name uses the placement nearest the transcript's 3' end. VCF-style (leftmost placement, unchanged base first): chr9-98835366-GGTAA-G. GRCh37 (hg19) VCF-style: chr9-101597648-GGTAA-G.
Identifiers: ClinVar variation 1471386 (VCV001471386.6), dbSNP rs2118439332, ClinGen allele CA2573144958.